The following is an entry in ClinVar:

NM_000135.4(FANCA):c.3097G>C (p.Asp1033His)

Gene: FANCA (FA complementation group A; minus strand). Cytogenetic location: 16q24.3.
Variant type: single nucleotide variant.
Coding change: c.3097G>C on transcript NM_000135.4 (MANE Select); coding-DNA position 3097, G replaced by C.
Protein change: p.Asp1033His; replaces aspartic acid 1033 with histidine.
Molecular consequence: missense variant.
Genome position (GRCh38, 1-based): chr16:89,749,872, C>G on the plus strand (G>C on the coding strand, the complement: FANCA is on the minus strand). VCF-style: chr16-89749872-C-G. GRCh37 (hg19) VCF-style: chr16-89816280-C-G.
Other names: c.3097G>C, p.Asp1033His (NM_001286167.3); short protein forms D1033H.
Identifiers: ClinVar variation 4532871 (VCV004532871.1).

ClinVar aggregate classification (germline): Uncertain significance (1 of 4 stars; one submission).

Submission:

Quest Diagnostics Nichols Institute San Juan Capistrano
Classification: Uncertain significance. Last evaluated: 2025-08-12. Review status: criteria provided, single submitter. Criteria: Quest Diagnostics criteria. Collection method: clinical testing. Allele origin: unknown.
Comment: The FANCA c.3097G>C (p.Asp1033His) variant has not been reported in individuals with FANCA-related conditions in the published literature. This variant also has not been reported in large, multi-ethnic general populations (Genome Aggregation Database). Analysis of this variant using bioinformatics tools for the prediction of the effect of amino acid changes on protein structure and function yielded predictions that this variant is benign. Based on the available information, we are unable to determine the clinical significance of this variant.